The following is an entry in ClinVar:

ClinVar aggregate classification (germline): Uncertain significance (0 of 4 stars; one submission).

Conditions:
Prostate cancer. Also called: Malignant tumor of prostate. Identifiers: Orphanet 1331, MedGen C0376358, MONDO:0008315, HP:0012125.

Submission:

Science for Life laboratory,  Karolinska Institutet
Classification: Uncertain significance for Malignant tumor of prostate. Review status: no assertion criteria provided. Collection method: not provided. Allele origin: somatic.
Comment: TumorID:SWE-92B
ClinVar note: Converted during submission from Unknown to Uncertain significance.

NM_022080.3(NAPB):c.786+2T>C

Gene: NAPB (NSF attachment protein beta; minus strand). Cytogenetic location: 20p11.21.
Variant type: single nucleotide variant.
Coding change: c.786+2T>C on transcript NM_022080.3 (MANE Select); the canonical splice donor site of the intron after coding-DNA position 786, T replaced by C.
Molecular consequence: splice donor variant.
Genome position (GRCh38, 1-based): chr20:23,379,443, A>G on the plus strand (T>C on the coding strand, the complement: NAPB is on the minus strand). VCF-style: chr20-23379443-A-G. GRCh37 (hg19) VCF-style: chr20-23360080-A-G.
Other names: c.669+2T>C (NM_001283020.2); c.504+2T>C (NM_001283026.2); c.798+2T>C (NM_001283018.2).
Identifiers: ClinVar variation 161755 (VCV000161755.2), dbSNP rs193921124, ClinGen allele CA174726.